The following is an entry in ClinVar:

ClinVar aggregate classification (germline): Pathogenic (1 of 4 stars; one submission).

Allele frequency attached by ClinVar (database versions not stated): gnomAD exomes below 0.00001.
gnomAD v4.1: 1 of 1,614,086 alleles (0.000062%); highest among the groups gnomAD compares: Non-Finnish European, 0.000085%; no homozygotes.

Submission:

Labcorp Genetics (formerly Invitae), Labcorp
Classification: Pathogenic. Last evaluated: 2023-03-12. Review status: criteria provided, single submitter. Criteria: Invitae Variant Classification Sherloc (09022015). Collection method: clinical testing. Allele origin: germline.
Comment: This sequence change creates a premature translational stop signal (p.Cys941*) in the DUOX2 gene. It is expected to result in an absent or disrupted protein product. Loss-of-function variants in DUOX2 are known to be pathogenic (PMID: 12110737, 18765513, 21565790, 24423310, 24735383). This variant is not present in population databases (gnomAD no frequency). This variant has not been reported in the literature in individuals affected with DUOX2-related conditions. For these reasons, this variant has been classified as Pathogenic.

Literature cited by the submitters: PubMed 12110737; PubMed 18765513; PubMed 21565790; PubMed 24423310; PubMed 24735383.

NM_001363711.2(DUOX2):c.2823T>A (p.Cys941Ter)

Gene: DUOX2 (dual oxidase 2; minus strand). Cytogenetic location: 15q21.1.
Variant type: single nucleotide variant.
Coding change: c.2823T>A on transcript NM_001363711.2 (MANE Select); coding-DNA position 2823, T replaced by A.
Protein change: p.Cys941Ter; replaces cysteine 941 with a stop codon.
Molecular consequence: nonsense.
Genome position (GRCh38, 1-based): chr15:45,101,821, A>T on the plus strand (T>A on the coding strand, the complement: DUOX2 is on the minus strand). VCF-style: chr15-45101821-A-T. GRCh37 (hg19) VCF-style: chr15-45394019-A-T.
Other names: c.2823T>A, p.Cys941Ter (NM_014080.5); short protein forms C941*.
Identifiers: ClinVar variation 2845076 (VCV002845076.3), dbSNP rs2504756664, ClinGen allele CA392266069.